The following is an entry in ClinVar:

ClinVar aggregate classification (germline): Benign. Review status: criteria provided, multiple submitters, no conflicts (2 of 4 stars). 12 submissions from 11 submitters: Benign (7). 5 of the submissions do not count toward it. Last evaluated 2026-02-04.

Conditions:
Combined deficiency of sialidase AND beta galactosidase (GSL). Also called: NEURAMINIDASE DEFICIENCY WITH BETA-GALACTOSIDASE DEFICIENCY; NEURAMINIDASE/BETA-GALACTOSIDASE EXPRESSION; PPCA DEFICIENCY; PROTECTIVE PROTEIN/CATHEPSIN A DEFICIENCY; Galactosialidosis; CATHEPSIN A DEFICIENCY. Identifiers: Orphanet 351, MedGen C0268233, MONDO:0009737, OMIM 256540.

Submissions (12):

Labcorp Genetics (formerly Invitae), Labcorp
Classification: Benign for Combined deficiency of sialidase AND beta galactosidase. Last evaluated: 2026-02-04. Review status: criteria provided, single submitter. Criteria: Invitae Variant Classification Sherloc (09022015). Collection method: clinical testing. Allele origin: germline.

Molecular Genetics, Royal Melbourne Hospital
Classification: Benign for Combined deficiency of sialidase AND beta galactosidase. Last evaluated: 2023-05-04. Review status: criteria provided, single submitter. Criteria: ACMG Guidelines, 2015. Collection method: clinical testing. Allele origin: germline. Affected: no.
Comment: Latino/Admixed American population allele frequency is 68.93%% (rs781707830, 126967/203638 alleles, 37576 homozygotes in gnomAD v2.1). Based on the classification scheme RMH Modified ACMG/AMP Guidelines v1.1.0, this variant is classified as BENIGN. Following criteria are met: BA1

Women's Health and Genetics/Laboratory Corporation of America, LabCorp
Classification: Benign. Last evaluated: 2023-04-06. Review status: criteria provided, single submitter. Criteria: LabCorp Variant Classification Summary - May 2015. Collection method: clinical testing. Allele origin: germline.

Genome-Nilou Lab
Classification: Benign for Combined deficiency of sialidase AND beta galactosidase. Last evaluated: 2021-07-30. Review status: criteria provided, single submitter. Criteria: ACMG Guidelines, 2015. Collection method: clinical testing. Allele origin: germline. Affected: no.

GeneDx
Classification: Benign. Last evaluated: 2018-06-13. Review status: criteria provided, single submitter. Criteria: GeneDx Variant Classification (06012015). Collection method: clinical testing. Allele origin: germline. Affected: yes.
Comment: This variant is considered likely benign or benign based on one or more of the following criteria: it is a conservative change, it occurs at a poorly conserved position in the protein, it is predicted to be benign by multiple in silico algorithms, and/or has population frequency not consistent with disease.

Laboratory for Molecular Medicine, Mass General Brigham Personalized Medicine
Classification: Benign. Last evaluated: 2016-03-28. Review status: criteria provided, single submitter. Criteria: LMM Criteria. Collection method: clinical testing. Allele origin: germline.
Comment: Variant identified in a genome or exome case(s) and assessed due to predicted null impact of the variant or pathogenic assertions in the literature or databases. Disclaimer: This variant has not undergone full assessment. The following are preliminary notes: 64% of total chromosomes in ExAC

Eurofins Ntd Llc (ga)
Classification: Benign. Last evaluated: 2015-05-19. Review status: criteria provided, single submitter. Criteria: EGL Classification Definitions 2015. Collection method: clinical testing. Allele origin: germline. Observed: 1 variant allele.

Mayo Clinic Laboratories, Mayo Clinic
Classification: Benign. Last evaluated: 2017-03-15. Review status: no assertion criteria provided. Collection method: clinical testing. Allele origin: unknown. Not counted in ClinVar's aggregate classification.

Clinical Genetics DNA and cytogenetics Diagnostics Lab, Erasmus MC, Erasmus Medical Center
Classification: Benign. Review status: no assertion criteria provided. Collection method: clinical testing. Allele origin: germline. Affected: yes. Study: VKGL Data-share Consensus. Not counted in ClinVar's aggregate classification.

Diagnostic Laboratory, Department of Genetics, University Medical Center Groningen
Classification: Benign. Review status: no assertion criteria provided. Collection method: clinical testing. Allele origin: germline. Affected: yes. Study: VKGL Data-share Consensus. Not counted in ClinVar's aggregate classification.

Laboratory of Diagnostic Genome Analysis, Leiden University Medical Center (LUMC)
Classification: Likely benign. Review status: no assertion criteria provided. Collection method: clinical testing. Allele origin: germline. Affected: yes. Study: VKGL Data-share Consensus. Not counted in ClinVar's aggregate classification.

Women's Health and Genetics/Laboratory Corporation of America, LabCorp
Classification: Benign. Last evaluated: 2017-11-22. Review status: flagged submission. Criteria: LabCorp Variant Classification Summary - May 2015. Collection method: clinical testing. Allele origin: germline. Not counted in ClinVar's aggregate classification.
Comment: Variant summary: The CTSA c.108_110delGCT (p.Leu37del) variant involves the deletion of a luecine in a string of 9 leucines. One in silico tool predicts a polymorphism outcome for this variant. This variant was found in 144801/230752 control chromosomes (43432 homozygotes) at a frequency of 0.6275179, which is approximately 397 times the estimated maximal expected allele frequency of a pathogenic CTSA variant (0.0015811), suggesting this variant is likely a benign polymorphism. Taken together, this variant is classified as benign. One case report cites the variant in a GSL patient, along with two other variants that have not been reported by other clinical labs, therefore it is unclear which variants are disease-causing. Multiple clinical diagnostic laboratories/reputable databases classified this variant as benign. Taken together, this variant is classified as benign.
ClinVar note: Reason: This record appears to be redundant with a more recent record from the same submitter.
ClinVar note: Notes: SCV000696509 appears to be redundant with SCV003928935.

Literature cited by the submitters: PubMed 25075748 (cited by Women's Health and Genetics/Laboratory Corporation of America, LabCorp).

NM_000308.4(CTSA):c.33GCT[7] (p.Leu19del)

Gene: CTSA (cathepsin A; plus strand). Cytogenetic location: 20q13.12.
Variant type: Microsatellite.
Coding change: c.33GCT[7] on transcript NM_000308.4 (MANE Select); seven copies in a row of the 3-base unit GCT starting at c.33; the reference has eight copies in a row; one copy, 3 bases deleted.
Protein change: p.Leu19del; deletes leucine 19.
Molecular consequence: inframe deletion. On other transcripts: non-coding transcript variant (1).
Genome position (GRCh38, 1-based): chr20:45,891,622-45,891,624, GCT deleted; deleting any 3 consecutive bases within chr20:45,891,599-45,891,624 gives the same sequence; the position shown is the placement nearest the transcript's 3' end. VCF-style (leftmost placement, unchanged base first): chr20-45891598-CCTG-C. GRCh37 (hg19) VCF-style: chr20-44520237-CCTG-C.
Other names: c.33GCT[7], p.Leu19del (NM_001127695.3, NM_001167594.3); c.54_56delGCT (NM_000308.4); c.85_87delCTG (NM_000308.2); short protein forms L19del.
Identifiers: ClinVar variation 195059 (VCV000195059.34), dbSNP rs72555383, ClinGen allele CA201527.